The following is an entry in ClinVar:

ClinVar aggregate classification (germline): Uncertain significance (1 of 4 stars; one submission).

Conditions:
Legius syndrome. Identifiers: Orphanet 137605, MedGen C1969623, MONDO:0012669, OMIM 611431. Disease mechanism: loss of function.

Submission:

Labcorp Genetics (formerly Invitae), Labcorp
Classification: Uncertain significance for Legius syndrome. Last evaluated: 2021-09-01. Review status: criteria provided, single submitter. Criteria: Invitae Variant Classification Sherloc (09022015). Collection method: clinical testing. Allele origin: germline.
Comment: In summary, the available evidence is currently insufficient to determine the role of this variant in disease. Therefore, it has been classified as a Variant of Uncertain Significance. Experimental studies and prediction algorithms are not available or were not evaluated, and the functional significance of this variant is currently unknown. This variant has not been reported in the literature in individuals affected with SPRED1-related conditions. This variant results in a copy number gain of the genomic region encompassing exon(s) 1-4 of the SPRED1 gene. This region includes the initiator codon of the gene. This copy number gain extends beyond the assayed region for this gene and therefore may encompass additional genes. As the precise location of this event is unknown, it may be in tandem or it may be located elsewhere in the genome.

NC_000015.9:g.(?_38545387)_(38617020_?)dup

Gene: SPRED1 (sprouty related EVH1 domain containing 1; plus strand). Cytogenetic location: 15q14.
Variant type: Duplication.
Identifiers: ClinVar variation 1445430 (VCV001445430.5).